The following is an entry in ClinVar:

ClinVar aggregate classification (germline): Conflicting classifications of pathogenicity. Review status: criteria provided, conflicting classifications (1 of 4 stars). 3 submissions from 3 submitters: Uncertain significance (1); Likely benign (1). 1 of the submissions does not count toward it. Last evaluated 2024-04-05.

Conditions:
Bardet-Biedl syndrome (BBS). Identifiers: Orphanet 110, MedGen C0752166, MONDO:0015229.
BBS9-related disorder. Also called: BBS9-related condition.

Allele frequency attached by ClinVar (database versions not stated): gnomAD exomes below 0.00001.
gnomAD v4.1: 2 of 1,609,864 alleles (0.00012%); highest among the groups gnomAD compares: Non-Finnish European, 0.00017%; no homozygotes.

Submissions (3):

Blueprint Genetics
Classification: Uncertain significance. Last evaluated: 2024-04-05. Review status: criteria provided, single submitter. Criteria: ACMG Guidelines, 2015. Collection method: clinical testing. Allele origin: germline.

Labcorp Genetics (formerly Invitae), Labcorp
Classification: Likely benign for Bardet-Biedl syndrome. Last evaluated: 2023-05-27. Review status: criteria provided, single submitter. Criteria: Invitae Variant Classification Sherloc (09022015). Collection method: clinical testing. Allele origin: germline.

PreventionGenetics, part of Exact Sciences
Classification: Likely benign for BBS9-related condition. Last evaluated: 2020-07-15. Review status: no assertion criteria provided. Collection method: clinical testing. Allele origin: germline. Not counted in ClinVar's aggregate classification.
Comment: This variant is classified as likely benign based on ACMG/AMP sequence variant interpretation guidelines (Richards et al. 2015 PMID: 25741868, with internal and published modifications).

NM_198428.3(BBS9):c.936G>T (p.Leu312=)

Gene: BBS9 (Bardet-Biedl syndrome 9; plus strand). Cytogenetic location: 7p14.3.
Variant type: single nucleotide variant.
Coding change: c.936G>T on transcript NM_198428.3 (MANE Select); coding-DNA position 936, G replaced by T.
Protein change: p.Leu312=; no amino-acid change (leucine 312 retained).
Molecular consequence: synonymous variant. On other transcripts: non-coding transcript variant (3).
Genome position (GRCh38, 1-based): chr7:33,273,876, G>T. VCF-style: chr7-33273876-G-T. GRCh37 (hg19) VCF-style: chr7-33313488-G-T.
Other names: c.936G>T (NM_198428.2); c.936G>T, p.Leu312= (NM_001033604.2, NM_001033605.2, NM_001348036.1 and 7 more transcripts); c.570G>T, p.Leu190= (NM_001348037.3, NM_001348044.3, NM_001348045.3 and 1 more transcripts); c.663G>T, p.Leu221= (NM_001348038.3, NM_001348039.3); c.801G>T, p.Leu267= (NM_001348042.3).
Identifiers: ClinVar variation 2083689 (VCV002083689.7), dbSNP rs2535216160, ClinGen allele CA454458806.